The following is an entry in ClinVar:

ClinVar aggregate classification (germline): Uncertain significance (1 of 4 stars; one submission).

Submission:

GeneDx
Classification: Uncertain significance. Last evaluated: 2023-02-15. Review status: criteria provided, single submitter. Criteria: GeneDx Variant Classification Process June 2021. Collection method: clinical testing. Allele origin: germline. Affected: yes.
Comment: Not observed at significant frequency in large population cohorts (gnomAD); In silico analysis supports that this missense variant does not alter protein structure/function; Has not been previously published as pathogenic or benign to our knowledge

NM_004586.3(RPS6KA3):c.2011G>C (p.Ala671Pro)

Gene: RPS6KA3 (ribosomal protein S6 kinase A3; minus strand). Cytogenetic location: Xp22.12.
Variant type: single nucleotide variant.
Coding change: c.2011G>C on transcript NM_004586.3 (MANE Select); coding-DNA position 2011, G replaced by C.
Protein change: p.Ala671Pro; replaces alanine 671 with proline.
Molecular consequence: missense variant.
Genome position (GRCh38, 1-based): chrX:20,156,198, C>G on the plus strand (G>C on the coding strand, the complement: RPS6KA3 is on the minus strand). VCF-style: chrX-20156198-C-G. GRCh37 (hg19) VCF-style: chrX-20174316-C-G.
Other names: short protein forms A671P.
Identifiers: ClinVar variation 2576796 (VCV002576796.1), dbSNP rs2519573275, ClinGen allele CA412512658.